The following is an entry in ClinVar:

NM_003738.5(PTCH2):c.1765G>T (p.Val589Leu)

Gene: PTCH2 (patched 2; minus strand). Cytogenetic location: 1p34.1.
Variant type: single nucleotide variant.
Coding change: c.1765G>T on transcript NM_003738.5 (MANE Select); coding-DNA position 1765, G replaced by T.
Protein change: p.Val589Leu; replaces valine 589 with leucine.
Molecular consequence: missense variant.
Genome position (GRCh38, 1-based): chr1:44,828,136, C>A on the plus strand (G>T on the coding strand, the complement: PTCH2 is on the minus strand). VCF-style: chr1-44828136-C-A. GRCh37 (hg19) VCF-style: chr1-45293808-C-A.
Other names: c.1765G>T, p.Val589Leu (NM_001166292.2); short protein forms V589L.
Identifiers: ClinVar variation 3345653 (VCV003345653.1).
Genomic context (GRCh38, chr1:44,828,136, plus strand): 5'-TGGCTTCACAGTGGGTAAAGGCTTGAACTGTGGCAGTGAGGTGGGCAATGCCCACTGGTA[C>A]TGTCCCGTCCCCCAGCTCCTGGGGCAGGATCTGAATCACCTGAGCAGAGCAGGGACTGGA-3'
Protein context (NP_003729.3, residues 579-599): ILPQELGDGT[Val589Leu]PVGIAHLTAT

ClinVar aggregate classification (germline): Uncertain significance (0 of 4 stars; one submission).

Conditions:
PTCH2-related disorder. Also called: PTCH2-related disease; PTCH2-related condition.

Submission:

PreventionGenetics, part of Exact Sciences
Classification: Uncertain significance for PTCH2-related condition. Last evaluated: 2024-05-21. Review status: no assertion criteria provided. Collection method: clinical testing. Allele origin: germline.
Comment: The PTCH2 c.1765G>T variant is predicted to result in the amino acid substitution p.Val589Leu. To our knowledge, this variant has not been reported in the literature or in a large population database, indicating this variant is rare. At this time, the clinical significance of this variant is uncertain due to the absence of conclusive functional and genetic evidence.